The following is an entry in ClinVar:

ClinVar aggregate classification (germline): Uncertain significance (1 of 4 stars; one submission).

Conditions:
TH-deficient dopa-responsive dystonia. Also called: Tyrosine Hydroxylase-Deficient Dopa-Responsive Dystonia; Segawa syndrome, autosomal recessive; DYT-TH. Identifiers: Orphanet 101150, MedGen C2673535, MONDO:0011551, OMIM 605407.

Allele frequency attached by ClinVar (database versions not stated): TOPMed 0.00001; gnomAD 0.00003; ESP Exome Variant Server 0.00008.
gnomAD v4.1: 12 of 1,597,206 alleles (0.00075%); highest among the groups gnomAD compares: Non-Finnish European, 0.001%; no homozygotes.

Submission:

Labcorp Genetics (formerly Invitae), Labcorp
Classification: Uncertain significance for TH-deficient dopa-responsive dystonia. Last evaluated: 2022-05-21. Review status: criteria provided, single submitter. Criteria: Invitae Variant Classification Sherloc (09022015). Collection method: clinical testing. Allele origin: germline.
Comment: This sequence change replaces arginine, which is basic and polar, with leucine, which is neutral and non-polar, at codon 291 of the TH protein (p.Arg291Leu). This variant is present in population databases (rs372142970, gnomAD 0.007%). This variant has not been reported in the literature in individuals affected with TH-related conditions. Algorithms developed to predict the effect of missense changes on protein structure and function are either unavailable or do not agree on the potential impact of this missense change (SIFT: "Deleterious"; PolyPhen-2: "Benign"; Align-GVGD: "Class C0"). In summary, the available evidence is currently insufficient to determine the role of this variant in disease. Therefore, it has been classified as a Variant of Uncertain Significance.

NM_000360.4(TH):c.779G>T (p.Arg260Leu)

Gene: TH (tyrosine hydroxylase; minus strand). Cytogenetic location: 11p15.5.
Variant type: single nucleotide variant.
Coding change: c.779G>T on transcript NM_000360.4 (MANE Select); coding-DNA position 779, G replaced by T.
Protein change: p.Arg260Leu; replaces arginine 260 with leucine.
Molecular consequence: missense variant.
Genome position (GRCh38, 1-based): chr11:2,166,949, C>A on the plus strand (G>T on the coding strand, the complement: TH is on the minus strand). VCF-style: chr11-2166949-C-A. GRCh37 (hg19) VCF-style: chr11-2188179-C-A.
Other names: c.872G>T, p.Arg291Leu (NM_199292.3); c.860G>T, p.Arg287Leu (NM_199293.3); short protein forms R260L, R287L, R291L.
Identifiers: ClinVar variation 1487677 (VCV001487677.3), dbSNP rs372142970, ClinGen allele CA216285419.
Genomic context (GRCh38, chr11:2,166,949, plus strand): 5'-TTCAGGAAGCGGGAGACGTCCTCCAGCTGGGGGATATTGTCTTCCCGGTAGCCGCTGAAG[C>A]GCTCCAGCAAAGCAAAGGCCTCCAGGTGCTCCCCGCAGGCGTGCGTGGCGTAGAGGCCCT-3'
Protein context (NP_000351.2, residues 250-270): EHLEAFALLE[Arg260Leu]FSGYREDNIP